The following is an entry in ClinVar:

NM_000051.4(ATM):c.6572+4T>C

Genes: ATM (ATM serine/threonine kinase; plus strand), C11orf65 (chromosome 11 open reading frame 65; minus strand). Cytogenetic location: 11q22.3.
Variant type: single nucleotide variant.
Coding change: c.6572+4T>C on transcript NM_000051.4 (MANE Select); 4 bases into the intron after coding-DNA position 6572, T replaced by C.
Molecular consequence: intron variant.
Genome position (GRCh38, 1-based): chr11:108,321,424, T>C. VCF-style: chr11-108321424-T-C. GRCh37 (hg19) VCF-style: chr11-108192151-T-C.
Other names: c.6572+4T>C (NM_001351834.2); c.641-12353A>G (NM_001330368.2); c.*39-12353A>G (NM_001351110.2).
Identifiers: ClinVar variation 135772 (VCV000135772.42), dbSNP rs587780636, ClinGen allele CA289576.
Genomic context (GRCh38, chr11:108,321,424, plus strand): 5'-ACTTAGCAGGTTGCAGGCCATTGGAGAGCTGGAAAGCATTGGGGAGCTTTTCTCAAGGTA[T>C]GTAATTCGTATGACTTTGTTATCCTAAAGTGCAGCTTTTCTGTTACCAATAGTGACTTTA-3'

ClinVar aggregate classification (germline): Conflicting classifications of pathogenicity. Review status: criteria provided, conflicting classifications (1 of 4 stars). 14 submissions from 14 submitters: Uncertain significance (3); Likely benign (10). 1 of the submissions does not count toward it. Last evaluated 2026-09-14.

Conditions:
ATM-related cancer predisposition. Also called: ATM-related cancer susceptibility. Identifiers: MedGen CN377759, MONDO:0700270.
Hereditary cancer-predisposing syndrome. Also called: Neoplastic Syndromes, Hereditary; Hereditary Cancer Syndrome; Tumor predisposition; Hereditary neoplastic syndrome. Identifiers: Orphanet 140162, MedGen C0027672, MeSH D009386, MONDO:0015356.
Familial cancer of breast. Also called: BREAST CANCER, FAMILIAL; hereditary breast carcinoma; Hereditary breast cancer. Identifiers: Orphanet 227535, MedGen C0346153, MONDO:0016419, OMIM 114480. Disease mechanism: loss of function.
Ataxia-telangiectasia syndrome (AT). Also called: Ataxia-telangiectasia, complementation group D; AT, COMPLEMENTATION GROUP C; Ataxia-telangiectasia; ATAXIA-TELANGIECTASIA, COMPLEMENTATION GROUP A; ATAXIA-TELANGIECTASIA, FRESNO VARIANT; Ataxia-telangiectasia, complementation group E. Identifiers: Orphanet 100, MedGen C0004135, MONDO:0008840, OMIM 208900.

Allele frequency attached by ClinVar (database versions not stated): gnomAD 0.00001; gnomAD exomes 0.00002 and 0.00004; TOPMed 0.00003; ExAC 0.00002.
gnomAD v4.1: 25 of 1,613,968 alleles (0.0015%); highest among the groups gnomAD compares: East Asian, 0.0022%; no homozygotes.

Submissions (14):

Hema, HEMA – Genetic and Molecular Diagnostic Laboratory
Classification: Uncertain significance for ATM-related cancer predisposition. Last evaluated: 2026-09-14. Review status: criteria provided, single submitter. Criteria: HEMA Variant Classification Assertion Criteria. Collection method: clinical testing. Allele origin: germline.
Comment: It is a transition from thymine to cytosine at position +4 of intron 45 of the ATM gene. BP4: According to the splicing predictor SpliceAI, the variant does not affect splicing (delta score = 0.01 ≤ 0.1).

Labcorp Genetics (formerly Invitae), Labcorp
Classification: Likely benign for Ataxia-telangiectasia syndrome. Last evaluated: 2026-01-21. Review status: criteria provided, single submitter. Criteria: Invitae Variant Classification Sherloc (09022015). Collection method: clinical testing. Allele origin: germline.

CeGaT Center for Human Genetics Tuebingen
Classification: Likely benign. Last evaluated: 2025-05-01. Review status: criteria provided, single submitter. Criteria: CeGaT Center For Human Genetics Tuebingen Variant Classification Criteria Version 2. Collection method: clinical testing. Allele origin: germline. Affected: yes. Observed: 1 variant allele.
Comment: ATM: BP4

Department of Pathology and Laboratory Medicine, Sinai Health System
Classification: Uncertain significance for Familial cancer of breast. Last evaluated: 2024-08-23. Review status: criteria provided, single submitter. Criteria: ACMG Guidelines, 2015. Collection method: clinical testing. Allele origin: germline. Affected: yes.

Myriad Genetics, Inc.
Classification: Likely benign for Familial cancer of breast. Last evaluated: 2024-06-07. Review status: criteria provided, single submitter. Criteria: Myriad Autosomal Dominant, Autosomal Recessive and X-Linked Classification Criteria (2023). Collection method: clinical testing. Allele origin: unknown.
Comment: This variant is considered likely benign. This variant is intronic and is not expected to impact mRNA splicing. This variant is strongly associated with less severe personal and family histories of cancer, typical for individuals without pathogenic variants in this gene [PMID: 25085752].

Blueprint Genetics
Classification: Likely benign. Last evaluated: 2024-06-03. Review status: criteria provided, single submitter. Criteria: ACMG Guidelines, 2015. Collection method: clinical testing. Allele origin: germline.

Women's Health and Genetics/Laboratory Corporation of America, LabCorp
Classification: Likely benign. Last evaluated: 2024-04-25. Review status: criteria provided, single submitter. Criteria: LabCorp Variant Classification Summary - May 2015. Collection method: clinical testing. Allele origin: germline.
Comment: Variant summary: ATM c.6572+4T>C alters a conserved nucleotide located close to a canonical splice site and therefore could affect mRNA splicing, leading to a significantly altered protein sequence. Consensus agreement among computation tools predict no significant impact on normal splicing. However, these predictions have yet to be confirmed by functional studies. The variant allele was found at a frequency of 3.6e-05 in 251458 control chromosomes. The available data on variant occurrences in the general population are insufficient to allow any conclusion about variant significance. c.6572+4T>C has been reported in the literature as a VUS in settings of multigene panel testing in individuals affected undergoing testing for Lynch syndrome (example, Yurgelun_2015). These report(s) do not provide unequivocal conclusions about association of the variant with Ataxia-Telangiectasia or other ATM-related cancers such as Breast Cancer. To our knowledge, no experimental evidence demonstrating an impact on protein function has been reported. The following publication have been ascertained in the context of this evaluation (PMID: 25980754). ClinVar contains an entry for this variant (Variation ID: 135772). Based on the evidence outlined above, the variant was classified as likely benign.

Mayo Clinic Laboratories, Mayo Clinic
Classification: Uncertain significance. Last evaluated: 2021-07-15. Review status: criteria provided, single submitter. Criteria: ACMG Guidelines, 2015. Collection method: clinical testing. Allele origin: germline.

Sema4
Classification: Likely benign for Hereditary cancer-predisposing syndrome. Last evaluated: 2020-10-19. Review status: criteria provided, single submitter. Criteria: Sema4 Curation Guidelines. Collection method: curation. Allele origin: germline.

GeneDx
Classification: Likely benign. Last evaluated: 2020-10-15. Review status: criteria provided, single submitter. Criteria: GeneDx Variant Classification Process June 2021. Collection method: clinical testing. Allele origin: germline. Affected: yes.
Comment: This variant is associated with the following publications: (PMID: 25980754)

Ambry Genetics
Classification: Likely benign for Hereditary cancer-predisposing syndrome. Last evaluated: 2019-10-04. Review status: criteria provided, single submitter. Criteria: Ambry Variant Classification Scheme 2023. Collection method: clinical testing. Allele origin: germline.

PreventionGenetics, part of Exact Sciences
Classification: Likely benign. Last evaluated: 2017-10-05. Review status: criteria provided, single submitter. Criteria: ACMG Guidelines, 2015. Collection method: clinical testing. Allele origin: germline.

Color Diagnostics, LLC DBA Color Health
Classification: Likely benign for Hereditary cancer-predisposing syndrome. Last evaluated: 2016-08-13. Review status: criteria provided, single submitter. Criteria: ACMG Guidelines, 2015. Collection method: clinical testing. Allele origin: germline.

Counsyl
Classification: Uncertain significance for Ataxia-telangiectasia syndrome. Last evaluated: 2017-04-05. Review status: no assertion criteria provided. Collection method: clinical testing. Allele origin: unknown. Not counted in ClinVar's aggregate classification.

Literature cited by the submitters: PubMed 25980754 (cited by 3 submitters); PubMed 25085752 (cited by Myriad Genetics, Inc.).